The following is an entry in ClinVar:

NM_001277115.2(DNAH11):c.6506C>A (p.Ser2169Ter)

Gene: DNAH11 (dynein axonemal heavy chain 11; plus strand). Cytogenetic location: 7p15.3.
Variant type: single nucleotide variant.
Coding change: c.6506C>A on transcript NM_001277115.2 (MANE Select); coding-DNA position 6506, C replaced by A.
Protein change: p.Ser2169Ter; replaces serine 2169 with a stop codon.
Molecular consequence: nonsense.
Genome position (GRCh38, 1-based): chr7:21,705,497, C>A. VCF-style: chr7-21705497-C-A. GRCh37 (hg19) VCF-style: chr7-21745115-C-A.
Other names: S2176*; NM_001277115.2(DNAH11):c.6506C>A; p.Ser2169Ter; short protein forms S2169*.
Identifiers: ClinVar variation 36983 (VCV000036983.3), dbSNP rs373946181, ClinGen allele CA260573.

ClinVar aggregate classification (germline): Uncertain significance. Review status: criteria provided, single submitter (1 of 4 stars). 2 submissions from 2 submitters: Uncertain significance (1). 1 of the submissions does not count toward it. Last evaluated 2025-02-14.

Conditions:
Primary ciliary dyskinesia 7. Also called: CILIARY DYSKINESIA, PRIMARY, 7, WITH OR WITHOUT SITUS INVERSUS. Identifiers: Orphanet 244, MedGen C2678473, MONDO:0012748, OMIM 611884.

gnomAD v4.1: 4 of 1,613,620 alleles (0.00025%); highest among the groups gnomAD compares: Non-Finnish European, 0.00025%; no homozygotes.

Submissions (2):

Broad Center for Mendelian Genomics, Broad Institute of MIT and Harvard
Classification: Uncertain significance for Primary ciliary dyskinesia 7. Last evaluated: 2025-02-14. Review status: criteria provided, single submitter. Criteria: ACMG Guidelines, 2015. Collection method: curation. Allele origin: germline. Inheritance: Autosomal recessive inheritance.
Comment: The p.Ser2169Ter variant in DNAH11 has been reported in 1 individual with primary ciliary dyskinesia (PMID: 22102620), and has been identified in 0.0003% (3/1179692) of European (non-Finnish) chromosomes by the Genome Aggregation Database (gnomAD; dbSNP rs373946181). Although this variant has been seen in the general population in a heterozygous state, its frequency is low enough to be consistent with a recessive carrier frequency. This variant has also been reported in ClinVar (Variation ID: 36983) and has been interpreted as pathogenic by OMIM. This nonsense variant leads to a premature termination codon at position 2169, which is predicted to lead to a truncated or absent protein. Computational tools predict a splicing impact, though this information is not predictive enough to determine/rule out pathogenicity. This variant is adjacent to an in-frame exon and is more likely to escape nonsense mediated decay (NMD) and result in a truncated protein. Loss of function of the DNAH11 gene is an established disease mechanism in autosomal recessive primary ciliary dyskinesia. In summary, while there is some suspicion for a pathogenic role, the clinical significance of this variant is uncertain. ACMG/AMP Criteria applied: PVS1_strong, PM2_supporting (Richards 2015).

OMIM
Classification: Pathogenic for CILIARY DYSKINESIA, PRIMARY, 7. Last evaluated: 2012-03-01. Review status: no assertion criteria provided. Collection method: literature only. Allele origin: germline. Not counted in ClinVar's aggregate classification.

Literature cited by the submitters: PubMed 22102620 (cited by OMIM).